The following is an entry in ClinVar:

ClinVar aggregate classification (germline): Conflicting classifications of pathogenicity. Review status: criteria provided, conflicting classifications (1 of 4 stars). 4 submissions from 4 submitters: Likely pathogenic (1); Uncertain significance (1); Likely benign (2). Last evaluated 2024-06-07.

Conditions:
Inborn genetic diseases. Identifiers: MedGen C0950123, MeSH D030342.
ADNP-related multiple congenital anomalies - intellectual disability - autism spectrum disorder. Also called: ADNP-Related Helsmoortel-Van der Aa Syndrome; Helsmoortel-Van der Aa Syndrome. Identifiers: Orphanet 404448, MedGen C4014538, MONDO:0014379, OMIM 615873. Disease mechanism: loss of function.

Allele frequency attached by ClinVar (database versions not stated): gnomAD exomes 0.00001 and 0.00002; ExAC 0.00002; gnomAD 0.00002; TOPMed 0.00003.
gnomAD v4.1: 24 of 1,614,080 alleles (0.0015%); highest among the groups gnomAD compares: East Asian, 0.011%; no homozygotes.

Submissions (4):

Ambry Genetics
Classification: Likely benign for Inborn genetic diseases. Last evaluated: 2024-06-07. Review status: criteria provided, single submitter. Criteria: Ambry Variant Classification Scheme 2023. Collection method: clinical testing. Allele origin: germline.

Labcorp Genetics (formerly Invitae), Labcorp
Classification: Uncertain significance. Last evaluated: 2023-10-04. Review status: criteria provided, single submitter. Criteria: Invitae Variant Classification Sherloc (09022015). Collection method: clinical testing. Allele origin: germline.
Comment: This sequence change replaces isoleucine, which is neutral and non-polar, with serine, which is neutral and polar, at codon 221 of the ADNP protein (p.Ile221Ser). This variant is present in population databases (rs747105829, gnomAD 0.01%). This variant has not been reported in the literature in individuals affected with ADNP-related conditions. ClinVar contains an entry for this variant (Variation ID: 1679675). An algorithm developed to predict the effect of missense changes on protein structure and function (PolyPhen-2) suggests that this variant is likely to be disruptive. In summary, the available evidence is currently insufficient to determine the role of this variant in disease. Therefore, it has been classified as a Variant of Uncertain Significance.

New York Genome Center
Classification: Likely pathogenic for ADNP-related multiple congenital anomalies - intellectual disability - autism spectrum disorder. Last evaluated: 2021-06-04. Review status: criteria provided, single submitter. Criteria: NYGC Assertion Criteria 2020. Collection method: clinical testing. Allele origin: de novo. Affected: yes. Observed: 1 heterozygote. Study: CSER-NYCKidSeq.
Comment: The de novo missense variant c.662T>G, p.Ile221Ser has not been reported in individuals with ADNP-related disorders. The variant has an allele frequency of 0.002% (3 heterozygous) in the gnomAD v3.1.1 database, indicating a rare allele and in silico tools predict a deleterious effect. The variant is situated at the Zinc finger region: C2H2-type 4 domain. Based on the available evidence, the variant c.662T>G, p.Ile221Ser in the ADNP gene is classified as likely pathogenic.

Blueprint Genetics
Classification: Likely benign. Last evaluated: 2020-02-21. Review status: criteria provided, single submitter. Criteria: ACMG Guidelines, 2015. Collection method: clinical testing. Allele origin: germline.

NM_001282531.3(ADNP):c.662T>G (p.Ile221Ser)

Gene: ADNP (activity dependent neuroprotector homeobox; minus strand). Cytogenetic location: 20q13.13.
Variant type: single nucleotide variant.
Coding change: c.662T>G on transcript NM_001282531.3 (MANE Select); coding-DNA position 662, T replaced by G.
Protein change: p.Ile221Ser; replaces isoleucine 221 with serine.
Molecular consequence: missense variant.
Genome position (GRCh38, 1-based): chr20:50,894,052, A>C on the plus strand (T>G on the coding strand, the complement: ADNP is on the minus strand). VCF-style: chr20-50894052-A-C. GRCh37 (hg19) VCF-style: chr20-49510589-A-C.
Other names: c.662T>G (NM_015339.2); c.662T>G, p.Ile221Ser (NM_001282532.2, NM_001347511.2, NM_015339.5 and 1 more transcripts); short protein forms I221S.
Identifiers: ClinVar variation 1679675 (VCV001679675.8), dbSNP rs747105829, ClinGen allele CA9908848.
Genomic context (GRCh38, chr20:50,894,052, plus strand): 5'-ATGACATGCTGTACCAAAGCTTCATAGGACTTTGGCATGAAAAGGCATCGCTTGCAGTGA[A>C]TACTACTCTCTTCTCGGGCATTCGAGCCTAAGGGGACTGCCCCATTGAGTGATTTTTCTC-3'
Protein context (NP_001269460.1, residues 211-231): LGSNAREESS[Ile221Ser]HCKRCLFMPK